The following is an entry in ClinVar:

ClinVar aggregate classification (germline): Uncertain significance (1 of 4 stars; one submission).

Allele frequency attached by ClinVar (database versions not stated): gnomAD 0.00001; TOPMed 0.00001; ExAC 0.00003.
gnomAD v4.1: 5 of 1,613,640 alleles (0.00031%); highest among the groups gnomAD compares: Admixed American, 0.0083%; no homozygotes.

Submission:

Labcorp Genetics (formerly Invitae), Labcorp
Classification: Uncertain significance. Last evaluated: 2025-09-21. Review status: criteria provided, single submitter. Criteria: Invitae Variant Classification Sherloc (09022015). Collection method: clinical testing. Allele origin: germline.
Comment: This sequence change replaces isoleucine, which is neutral and non-polar, with leucine, which is neutral and non-polar, at codon 222 of the UNC45A protein (p.Ile222Leu). This variant is present in population databases (rs752602934, gnomAD 0.01%). This variant has not been reported in the literature in individuals affected with UNC45A-related conditions. ClinVar contains an entry for this variant (Variation ID: 1450826). Invitae Evidence Modeling of protein sequence and biophysical properties (such as structural, functional, and spatial information, amino acid conservation, physicochemical variation, residue mobility, and thermodynamic stability) indicates that this missense variant is not expected to disrupt UNC45A protein function with a negative predictive value of 80%. In summary, the available evidence is currently insufficient to determine the role of this variant in disease. Therefore, it has been classified as a Variant of Uncertain Significance.

NM_018671.5(UNC45A):c.664A>C (p.Ile222Leu)

Gene: UNC45A (unc-45 myosin chaperone A; plus strand). Cytogenetic location: 15q26.1.
Variant type: single nucleotide variant.
Coding change: c.664A>C on transcript NM_018671.5 (MANE Select); coding-DNA position 664, A replaced by C.
Protein change: p.Ile222Leu; replaces isoleucine 222 with leucine.
Molecular consequence: missense variant.
Genome position (GRCh38, 1-based): chr15:90,940,450, A>C. VCF-style: chr15-90940450-A-C. GRCh37 (hg19) VCF-style: chr15-91483680-A-C.
Other names: c.619A>C, p.Ile207Leu (NM_001039675.2, NM_001323621.2); c.664A>C, p.Ile222Leu (NM_001323619.1); c.229A>C, p.Ile77Leu (NM_001323620.2); short protein forms I207L, I222L, I77L.
Identifiers: ClinVar variation 1450826 (VCV001450826.5), dbSNP rs752602934, ClinGen allele CA7742619.